The following is an entry in ClinVar:

NM_004655.4(AXIN2):c.14T>C (p.Met5Thr)

Gene: AXIN2 (axin 2; minus strand). Cytogenetic location: 17q24.1.
Variant type: single nucleotide variant.
Coding change: c.14T>C on transcript NM_004655.4 (MANE Select); coding-DNA position 14, T replaced by C.
Protein change: p.Met5Thr; replaces methionine 5 with threonine.
Molecular consequence: missense variant.
Genome position (GRCh38, 1-based): chr17:65,558,607, A>G on the plus strand (T>C on the coding strand, the complement: AXIN2 is on the minus strand). VCF-style: chr17-65558607-A-G. GRCh37 (hg19) VCF-style: chr17-63554725-A-G.
Other names: c.14T>C, p.Met5Thr (NM_001363813.1); short protein forms M5T.
Identifiers: ClinVar variation 2586375 (VCV002586375.3), dbSNP rs730881397, ClinGen allele CA400682490.

ClinVar aggregate classification (germline): Uncertain significance. Review status: criteria provided, multiple submitters, no conflicts (2 of 4 stars). 2 submissions from 2 submitters: Uncertain significance (2). Last evaluated 2024-02-13.

Conditions:
Hereditary cancer-predisposing syndrome. Also called: Hereditary neoplastic syndrome; Tumor predisposition; Hereditary Cancer Syndrome; Neoplastic Syndromes, Hereditary. Identifiers: Orphanet 140162, MedGen C0027672, MeSH D009386, MONDO:0015356.
Colorectal cancer. Also called: Colorectal cancer, somatic; Malignant Colorectal Neoplasm. Identifiers: MedGen C0346629, MONDO:0005575, OMIM 114500.

Submissions (2):

Baylor Genetics
Classification: Uncertain significance for Colorectal cancer. Last evaluated: 2024-02-13. Review status: criteria provided, single submitter. Criteria: ACMG Guidelines, 2015. Collection method: clinical testing. Allele origin: unknown.

Ambry Genetics
Classification: Uncertain significance for Hereditary cancer-predisposing syndrome. Last evaluated: 2023-09-05. Review status: criteria provided, single submitter. Criteria: Ambry Variant Classification Scheme 2023. Collection method: clinical testing. Allele origin: germline.
Comment: The p.M5T variant (also known as c.14T>C), located in coding exon 1 of the AXIN2 gene, results from a T to C substitution at nucleotide position 14. The methionine at codon 5 is replaced by threonine, an amino acid with similar properties. This amino acid position is conserved. In addition, this alteration is predicted to be tolerated by in silico analysis. Since supporting evidence is limited at this time, the clinical significance of this alteration remains unclear.